The following is an entry in ClinVar:

ClinVar aggregate classification (germline): Conflicting classifications of pathogenicity. Review status: criteria provided, conflicting classifications (1 of 4 stars). 2 submissions from 2 submitters: Uncertain significance (1); Likely benign (1). Last evaluated 2024-02-03.

Conditions:
Inborn genetic diseases. Identifiers: MedGen C0950123, MeSH D030342.
Dextro-looped transposition of the great arteries. Also called: Dextrotransposition of the great arteries. Identifiers: Orphanet 860, MedGen C3531771, MONDO:0019443, OMIM 608808, HP:0031348.

Allele frequency attached by ClinVar (database versions not stated): ExAC 0.00001; gnomAD 0.00001; TOPMed 0.00002; gnomAD exomes 0.00003.
gnomAD v4.1: 46 of 1,613,756 alleles (0.0029%); highest among the groups gnomAD compares: Non-Finnish European, 0.0036%; no homozygotes.

Submissions (2):

Labcorp Genetics (formerly Invitae), Labcorp
Classification: Uncertain significance for Dextro-looped transposition of the great arteries. Last evaluated: 2024-02-03. Review status: criteria provided, single submitter. Criteria: Invitae Variant Classification Sherloc (09022015). Collection method: clinical testing. Allele origin: germline.
Comment: This sequence change replaces serine, which is neutral and polar, with glycine, which is neutral and non-polar, at codon 708 of the MED13L protein (p.Ser708Gly). This variant is present in population databases (rs762231074, gnomAD 0.003%). This variant has not been reported in the literature in individuals affected with MED13L-related conditions. ClinVar contains an entry for this variant (Variation ID: 2335557). Advanced modeling of protein sequence and biophysical properties (such as structural, functional, and spatial information, amino acid conservation, physicochemical variation, residue mobility, and thermodynamic stability) performed at Invitae indicates that this missense variant is not expected to disrupt MED13L protein function with a negative predictive value of 80%. In summary, the available evidence is currently insufficient to determine the role of this variant in disease. Therefore, it has been classified as a Variant of Uncertain Significance.

Ambry Genetics
Classification: Likely benign for Inborn genetic diseases. Last evaluated: 2022-12-15. Review status: criteria provided, single submitter. Criteria: Ambry Variant Classification Scheme 2023. Collection method: clinical testing. Allele origin: germline.

NM_015335.5(MED13L):c.2122A>G (p.Ser708Gly)

Gene: MED13L (mediator complex subunit 13L; minus strand). Cytogenetic location: 12q24.21.
Variant type: single nucleotide variant.
Coding change: c.2122A>G on transcript NM_015335.5 (MANE Select); coding-DNA position 2122, A replaced by G.
Protein change: p.Ser708Gly; replaces serine 708 with glycine.
Molecular consequence: missense variant.
Genome position (GRCh38, 1-based): chr12:116,007,527, T>C on the plus strand (A>G on the coding strand, the complement: MED13L is on the minus strand). VCF-style: chr12-116007527-T-C. GRCh37 (hg19) VCF-style: chr12-116445332-T-C.
Other names: short protein forms S708G.
Identifiers: ClinVar variation 2335557 (VCV002335557.4), dbSNP rs762231074, ClinGen allele CA6811239.